The following is an entry in ClinVar:

NM_021999.5(ITM2B):c.626T>C (p.Ile209Thr)

Gene: ITM2B (integral membrane protein 2B; plus strand). Cytogenetic location: 13q14.2.
Variant type: single nucleotide variant.
Coding change: c.626T>C on transcript NM_021999.5 (MANE Select); coding-DNA position 626, T replaced by C.
Protein change: p.Ile209Thr; replaces isoleucine 209 with threonine.
Molecular consequence: missense variant.
Genome position (GRCh38, 1-based): chr13:48,258,858, T>C. VCF-style: chr13-48258858-T-C. GRCh37 (hg19) VCF-style: chr13-48832994-T-C.
Other names: short protein forms I209T.
Identifiers: ClinVar variation 3697748 (VCV003697748.2).

ClinVar aggregate classification (germline): Uncertain significance (1 of 4 stars; one submission).

gnomAD v4.1: 4 of 1,613,352 alleles (0.00025%); highest among the groups gnomAD compares: Non-Finnish European, 0.00034%; no homozygotes.

Submission:

Labcorp Genetics (formerly Invitae), Labcorp
Classification: Uncertain significance. Last evaluated: 2025-01-13. Review status: criteria provided, single submitter. Criteria: Invitae Variant Classification Sherloc (09022015). Collection method: clinical testing. Allele origin: germline.
Comment: This sequence change replaces isoleucine, which is neutral and non-polar, with threonine, which is neutral and polar, at codon 209 of the ITM2B protein (p.Ile209Thr). This variant is not present in population databases (gnomAD no frequency). This variant has not been reported in the literature in individuals affected with ITM2B-related conditions. Invitae Evidence Modeling of protein sequence and biophysical properties (such as structural, functional, and spatial information, amino acid conservation, physicochemical variation, residue mobility, and thermodynamic stability) indicates that this missense variant is not expected to disrupt ITM2B protein function with a negative predictive value of 80%. In summary, the available evidence is currently insufficient to determine the role of this variant in disease. Therefore, it has been classified as a Variant of Uncertain Significance.